The following is an entry in ClinVar:

NM_001031709.3(RNLS):c.32T>G (p.Met11Arg)

Genes: LIPJ (lipase family member J; plus strand), RNLS (renalase, FAD dependent amine oxidase; minus strand). Cytogenetic location: 10q23.31.
Variant type: single nucleotide variant.
Coding change: c.32T>G on transcript NM_001031709.3 (MANE Select); coding-DNA position 32, T replaced by G.
Protein change: p.Met11Arg; replaces methionine 11 with arginine.
Molecular consequence: missense variant. On other transcripts: non-coding transcript variant (1).
Genome position (GRCh38, 1-based): chr10:88,583,159, A>C on the plus strand (T>G on the coding strand, the complement: RNLS is on the minus strand). VCF-style: chr10-88583159-A-C. GRCh37 (hg19) VCF-style: chr10-90342916-A-C.
Other names: c.32T>G, p.Met11Arg (NM_018363.4); short protein forms M11R.
Identifiers: ClinVar variation 2799241 (VCV002799241.3), dbSNP rs953632688, ClinGen allele CA211818423.

ClinVar aggregate classification (germline): Uncertain significance (1 of 4 stars; one submission).

gnomAD v4.1: 1 of 1,614,064 alleles (0.000062%); highest among the groups gnomAD compares: Admixed American, 0.0017%; no homozygotes.

Submission:

Labcorp Genetics (formerly Invitae), Labcorp
Classification: Uncertain significance. Last evaluated: 2023-10-03. Review status: criteria provided, single submitter. Criteria: Invitae Variant Classification Sherloc (09022015). Collection method: clinical testing. Allele origin: germline.
Comment: This sequence change replaces methionine, which is neutral and non-polar, with arginine, which is basic and polar, at codon 11 of the RNLS protein (p.Met11Arg). This variant is not present in population databases (gnomAD no frequency). This variant has not been reported in the literature in individuals affected with RNLS-related conditions. An algorithm developed to predict the effect of missense changes on protein structure and function (PolyPhen-2) suggests that this variant is likely to be tolerated. In summary, the available evidence is currently insufficient to determine the role of this variant in disease. Therefore, it has been classified as a Variant of Uncertain Significance.